The following is an entry in ClinVar:

ClinVar aggregate classification (germline): Uncertain significance (1 of 4 stars; one submission).

Conditions:
Charcot-Marie-Tooth disease axonal type 2O. Also called: Charcot-Marie-Tooth disease, axonal, type 20; CHARCOT-MARIE-TOOTH NEUROPATHY, AXONAL, TYPE 2O; CHARCOT-MARIE-TOOTH DISEASE, AXONAL, AUTOSOMAL DOMINANT, TYPE 2O; Charcot-Marie-Tooth Neuropathy Type 2O. Identifiers: Orphanet 284232, MedGen C3280220, MONDO:0013644, OMIM 614228.

Submission:

Labcorp Genetics (formerly Invitae), Labcorp
Classification: Uncertain significance for Charcot-Marie-Tooth disease axonal type 2O. Last evaluated: 2024-11-10. Review status: criteria provided, single submitter. Criteria: Invitae Variant Classification Sherloc (09022015). Collection method: clinical testing. Allele origin: germline.
Comment: This sequence change replaces asparagine, which is neutral and polar, with aspartic acid, which is acidic and polar, at codon 4491 of the DYNC1H1 protein (p.Asn4491Asp). This variant is not present in population databases (gnomAD no frequency). This variant has not been reported in the literature in individuals affected with DYNC1H1-related conditions. Invitae Evidence Modeling of protein sequence and biophysical properties (such as structural, functional, and spatial information, amino acid conservation, physicochemical variation, residue mobility, and thermodynamic stability) indicates that this missense variant is not expected to disrupt DYNC1H1 protein function with a negative predictive value of 95%. In summary, the available evidence is currently insufficient to determine the role of this variant in disease. Therefore, it has been classified as a Variant of Uncertain Significance.

NM_001376.5(DYNC1H1):c.13471A>G (p.Asn4491Asp)

Gene: DYNC1H1 (dynein cytoplasmic 1 heavy chain 1; plus strand). Cytogenetic location: 14q32.31.
Variant type: single nucleotide variant.
Coding change: c.13471A>G on transcript NM_001376.5 (MANE Select); coding-DNA position 13471, A replaced by G.
Protein change: p.Asn4491Asp; replaces asparagine 4491 with aspartic acid.
Molecular consequence: missense variant.
Genome position (GRCh38, 1-based): chr14:102,049,538, A>G. VCF-style: chr14-102049538-A-G. GRCh37 (hg19) VCF-style: chr14-102515875-A-G.
Other names: short protein forms N4491D.
Identifiers: ClinVar variation 3636193 (VCV003636193.2).